The following is an entry in ClinVar:

ClinVar aggregate classification (germline): Uncertain significance (1 of 4 stars; one submission).

Conditions:
Pierson syndrome. Also called: MICROCORIA-CONGENITAL NEPHROTIC SYNDROME. Identifiers: Orphanet 2670, MedGen C1836876, MONDO:0012184, OMIM 609049.
LAMB2-related infantile-onset nephrotic syndrome. Also called: Nephrotic Syndrome, type 5; NEPHROTIC SYNDROME, TYPE 5, WITHOUT OCULAR ABNORMALITIES; NEPHROTIC SYNDROME, TYPE 5, WITH OCULAR ABNORMALITIES. Identifiers: Orphanet 306507, MedGen C3280113, MONDO:0013621, OMIM 614199.

gnomAD v4.1: 3 of 1,614,144 alleles (0.00019%); highest among the groups gnomAD compares: East Asian, 0.0022%; no homozygotes.

Submission:

Labcorp Genetics (formerly Invitae), Labcorp
Classification: Uncertain significance for LAMB2-related infantile-onset nephrotic syndrome; Pierson syndrome. Last evaluated: 2022-01-21. Review status: criteria provided, single submitter. Criteria: Invitae Variant Classification Sherloc (09022015). Collection method: clinical testing. Allele origin: germline.
Comment: In summary, the available evidence is currently insufficient to determine the role of this variant in disease. Therefore, it has been classified as a Variant of Uncertain Significance. This sequence change replaces alanine, which is neutral and non-polar, with valine, which is neutral and non-polar, at codon 361 of the LAMB2 protein (p.Ala361Val). This variant is present in population databases (no rsID available, gnomAD 0.0009%). This variant has not been reported in the literature in individuals affected with LAMB2-related conditions. Algorithms developed to predict the effect of missense changes on protein structure and function (SIFT, PolyPhen-2, Align-GVGD) all suggest that this variant is likely to be disruptive.

NM_002292.4(LAMB2):c.1082C>T (p.Ala361Val)

Gene: LAMB2 (laminin subunit beta 2; minus strand). Cytogenetic location: 3p21.31.
Variant type: single nucleotide variant.
Coding change: c.1082C>T on transcript NM_002292.4 (MANE Select); coding-DNA position 1082, C replaced by T.
Protein change: p.Ala361Val; replaces alanine 361 with valine.
Molecular consequence: missense variant.
Genome position (GRCh38, 1-based): chr3:49,130,374, G>A on the plus strand (C>T on the coding strand, the complement: LAMB2 is on the minus strand). VCF-style: chr3-49130374-G-A. GRCh37 (hg19) VCF-style: chr3-49167807-G-A.
Other names: short protein forms A361V.
Identifiers: ClinVar variation 1428733 (VCV001428733.5), dbSNP rs1270231900, ClinGen allele CA352743581.